The following is an entry in ClinVar:

NM_000051.4(ATM):c.3141_3142del (p.Lys1047fs)

Gene: ATM (ATM serine/threonine kinase; plus strand). Cytogenetic location: 11q22.3.
Variant type: Deletion.
Coding change: c.3141_3142del on transcript NM_000051.4 (MANE Select); coding-DNA positions 3141 to 3142, 2 bases deleted (AA; older notation c.3141_3142delAA).
Protein change: p.Lys1047fs; shifts the reading frame from lysine 1047.
Molecular consequence: frameshift variant.
Genome position (GRCh38, 1-based): chr11:108,272,595-108,272,596, AA deleted; deleting any 2 consecutive bases within chr11:108,272,593-108,272,596 gives the same sequence; the c. name uses the placement nearest the transcript's 3' end. VCF-style (leftmost placement, unchanged base first): chr11-108272592-TAA-T. GRCh37 (hg19) VCF-style: chr11-108143319-TAA-T.
Other names: c.3141_3142del, p.Lys1047fs (NM_001351834.2); short protein forms K1047fs.
Identifiers: ClinVar variation 3148818 (VCV003148818.1), dbSNP rs2135566568, ClinGen allele CA2825001819.

ClinVar aggregate classification (germline): Pathogenic (1 of 4 stars; one submission).

Conditions:
Familial cancer of breast. Also called: BREAST CANCER, FAMILIAL; Hereditary breast cancer; hereditary breast carcinoma. Identifiers: Orphanet 227535, MedGen C0346153, MONDO:0016419, OMIM 114480. Disease mechanism: loss of function.

Submission:

Myriad Genetics, Inc.
Classification: Pathogenic for Familial cancer of breast. Last evaluated: 2024-01-18. Review status: criteria provided, single submitter. Criteria: Myriad Autosomal Dominant, Autosomal Recessive and X-Linked Classification Criteria (2023). Collection method: clinical testing. Allele origin: unknown.
Comment: This variant is considered pathogenic. This variant creates a frameshift predicted to result in premature protein truncation.